The following is an entry in ClinVar:

NM_001110556.2(FLNA):c.4602C>T (p.Pro1534=)

Gene: FLNA (filamin A; minus strand). Cytogenetic location: Xq28.
Variant type: single nucleotide variant.
Coding change: c.4602C>T on transcript NM_001110556.2 (MANE Select); coding-DNA position 4602, C replaced by T.
Protein change: p.Pro1534=; no amino-acid change (proline 1534 retained).
Molecular consequence: synonymous variant.
Genome position (GRCh38, 1-based): chrX:154,358,352, G>A on the plus strand (C>T on the coding strand, the complement: FLNA is on the minus strand). VCF-style: chrX-154358352-G-A. GRCh37 (hg19) VCF-style: chrX-153586720-G-A.
Other names: c.4602C>T, p.Pro1534= (NM_001456.4); c.4602C>T (NM_001110556.1).
Identifiers: ClinVar variation 2039087 (VCV002039087.5), dbSNP rs1238054714, ClinGen allele CA519707733.

ClinVar aggregate classification (germline): Likely benign. Review status: criteria provided, multiple submitters, no conflicts (2 of 4 stars). 2 submissions from 2 submitters: Likely benign (2). Last evaluated 2025-10-31.

Conditions:
Oto-palato-digital syndrome, type II (OPD2). Also called: FACIOPALATOOSSEOUS SYNDROME; Otopalatodigital Syndrome, Type II; OPD II SYNDROME; Otopalatodigital Syndrome Type 2 (FLNA-OPD2). Identifiers: Orphanet 669, Orphanet 90652, MedGen C1844696, MONDO:0010571, OMIM 304120.
Heterotopia, periventricular, X-linked dominant (PVNH1). Also called: X-linked periventricular heterotopia; PERIVENTRICULAR NODULAR HETEROTOPIA 4; HETEROTOPIA, PERIVENTRICULAR, 1; PERIVENTRICULAR NODULAR HETEROTOPIA 1. Identifiers: Orphanet 2149, Orphanet 82004, MedGen C1848213, MONDO:0010233, OMIM 300049.
Melnick-Needles syndrome (MNS). Also called: MELNICK-NEEDLES OSTEODYSPLASTY; OSTEODYSPLASTY OF MELNICK AND NEEDLES; Melnick-Needles Syndrome (FLNA-MNS). Identifiers: Orphanet 2484, MedGen C0025237, MONDO:0010650, OMIM 309350.
Frontometaphyseal dysplasia (FMD1). Identifiers: Orphanet 1826, MedGen C0265293, MONDO:0015942.
FLNA-related disorder.

Allele frequency attached by ClinVar (database versions not stated): TOPMed below 0.00001; gnomAD exomes below 0.00001.
gnomAD v4.1: 3 of 1,211,459 alleles (0.00025%); highest among the groups gnomAD compares: Admixed American, 0.0022%; no homozygotes.

Submissions (2):

PreventionGenetics, part of Exact Sciences
Classification: Likely benign for FLNA-related condition. Last evaluated: 2025-10-31. Review status: criteria provided, single submitter. Criteria: ACMG Guidelines, 2015. Collection method: clinical testing. Allele origin: germline.
Comment: This variant is classified as likely benign based on ACMG/AMP sequence variant interpretation guidelines (Richards et al. 2015 PMID: 25741868, with internal and published modifications).

Labcorp Genetics (formerly Invitae), Labcorp
Classification: Likely benign for Oto-palato-digital syndrome, type II; Heterotopia, periventricular, X-linked dominant; Frontometaphyseal dysplasia; Melnick-Needles syndrome. Last evaluated: 2023-06-20. Review status: criteria provided, single submitter. Criteria: Invitae Variant Classification Sherloc (09022015). Collection method: clinical testing. Allele origin: germline.